The following is an entry in ClinVar:

ClinVar aggregate classification (germline): Uncertain significance (1 of 4 stars; one submission).

Conditions:
Developmental and epileptic encephalopathy, 30 (DEE30). Also called: Epileptic encephalopathy, early infantile, 30. Identifiers: MedGen C4225360, MONDO:0014595, OMIM 616341.

Submission:

Labcorp Genetics (formerly Invitae), Labcorp
Classification: Uncertain significance for Developmental and epileptic encephalopathy, 30. Last evaluated: 2025-09-15. Review status: criteria provided, single submitter. Criteria: Invitae Variant Classification Sherloc (09022015). Collection method: clinical testing. Allele origin: germline.
Comment: This sequence change replaces alanine, which is neutral and non-polar, with serine, which is neutral and polar, at codon 264 of the SIK1 protein (p.Ala264Ser). This variant is not present in population databases (gnomAD no frequency). This variant has not been reported in the literature in individuals affected with SIK1-related conditions. Invitae Evidence Modeling of protein sequence and biophysical properties (such as structural, functional, and spatial information, amino acid conservation, physicochemical variation, residue mobility, and thermodynamic stability) indicates that this missense variant is not expected to disrupt SIK1 protein function with a negative predictive value of 95%. In summary, the available evidence is currently insufficient to determine the role of this variant in disease. Therefore, it has been classified as a Variant of Uncertain Significance.

NM_173354.5(SIK1):c.790G>T (p.Ala264Ser)

Gene: SIK1 (salt inducible kinase 1; minus strand). Cytogenetic location: 21q22.3.
Variant type: single nucleotide variant.
Coding change: c.790G>T on transcript NM_173354.5 (MANE Select); coding-DNA position 790, G replaced by T.
Protein change: p.Ala264Ser; replaces alanine 264 with serine.
Molecular consequence: missense variant.
Genome position (GRCh38, 1-based): chr21:43,420,416, C>A on the plus strand (G>T on the coding strand, the complement: SIK1 is on the minus strand). VCF-style: chr21-43420416-C-A. GRCh37 (hg19) VCF-style: chr21-44840296-C-A.
Other names: short protein forms A264S.
Identifiers: ClinVar variation 4803226 (VCV004803226.1).